The following is an entry in ClinVar:

NM_017617.5(NOTCH1):c.2588-5C>T

Gene: NOTCH1 (notch receptor 1; minus strand). Cytogenetic location: 9q34.3.
Variant type: single nucleotide variant.
Coding change: c.2588-5C>T on transcript NM_017617.5 (MANE Select); 5 bases into the intron before coding-DNA position 2588, C replaced by T.
Molecular consequence: intron variant.
Genome position (GRCh38, 1-based): chr9:136,510,810, G>A on the plus strand (C>T on the coding strand, the complement: NOTCH1 is on the minus strand). VCF-style: chr9-136510810-G-A. GRCh37 (hg19) VCF-style: chr9-139405262-G-A.
Other names: c.2588-5C>T (NM_017617.3).
Identifiers: ClinVar variation 1141553 (VCV001141553.14), dbSNP rs764684418, ClinGen allele CA5341234.

ClinVar aggregate classification (germline): Conflicting classifications of pathogenicity. Review status: criteria provided, conflicting classifications (1 of 4 stars). 5 submissions from 4 submitters: Uncertain significance (1); Likely benign (4). Last evaluated 2025-12-09.

Conditions:
Adams-Oliver syndrome 5 (AOS5). Identifiers: Orphanet 974, MedGen C4014970, MONDO:0014459, OMIM 616028.
Familial thoracic aortic aneurysm and aortic dissection (TAAD). Also called: Thoracic aortic aneurysms and dissections. Identifiers: Orphanet 91387, MedGen C4707243, MONDO:0019625.
Aortic valve disease 1 (AOVD1). Identifiers: MedGen C3887892, MONDO:0024523, OMIM 109730.

Allele frequency attached by ClinVar (database versions not stated): TOPMed 0.00002; gnomAD exomes 0.00003; ExAC 0.00004.
gnomAD v4.1: 69 of 1,607,608 alleles (0.0043%); highest among the groups gnomAD compares: Non-Finnish European, 0.0053%; no homozygotes.

Submissions (5):

Labcorp Genetics (formerly Invitae), Labcorp
Classification: Likely benign for Adams-Oliver syndrome 5. Last evaluated: 2025-12-09. Review status: criteria provided, single submitter. Criteria: Invitae Variant Classification Sherloc (09022015). Collection method: clinical testing. Allele origin: germline.

Ambry Genetics
Classification: Uncertain significance for Familial thoracic aortic aneurysm and aortic dissection. Last evaluated: 2024-02-12. Review status: criteria provided, single submitter. Criteria: Ambry Variant Classification Scheme 2023. Collection method: clinical testing. Allele origin: germline.
Comment: The c.2588-5C>T intronic variant results from a C to T substitution 5 nucleotides upstream from coding exon 17 in the NOTCH1 gene. This nucleotide position is not well conserved in available vertebrate species. In silico splice site analysis predicts that this alteration will not have any significant effect on splicing. Based on the available evidence, the clinical significance of this alteration remains unclear.

Genome-Nilou Lab
Classification: Likely benign for Adams-Oliver syndrome 5. Last evaluated: 2022-03-15. Review status: criteria provided, single submitter. Criteria: ACMG Guidelines, 2015. Collection method: clinical testing. Allele origin: germline. Affected: no.

Genome-Nilou Lab
Classification: Likely benign for Aortic valve disease 1. Last evaluated: 2022-03-15. Review status: criteria provided, single submitter. Criteria: ACMG Guidelines, 2015. Collection method: clinical testing. Allele origin: germline. Affected: no.

GeneDx
Classification: Likely benign. Last evaluated: 2021-03-09. Review status: criteria provided, single submitter. Criteria: GeneDx Variant Classification Process June 2021. Collection method: clinical testing. Allele origin: germline. Affected: yes.